The following is an entry in ClinVar:

ClinVar aggregate classification (germline): Uncertain significance (1 of 4 stars; one submission).

Conditions:
Charcot-Marie-Tooth disease type 2. Also called: Charcot-Marie-Tooth type 2. Identifiers: Orphanet 64746, MedGen C0270914, MONDO:0018993.

Allele frequency attached by ClinVar (database versions not stated): gnomAD exomes 0.00003 and 0.00005; gnomAD 0.00001; ExAC 0.00003; TOPMed 0.00005.
gnomAD v4.1: 80 of 1,612,964 alleles (0.005%); highest among the groups gnomAD compares: Non-Finnish European, 0.0063%; no homozygotes.

Submission:

Labcorp Genetics (formerly Invitae), Labcorp
Classification: Uncertain significance for Charcot-Marie-Tooth disease type 2. Last evaluated: 2025-03-06. Review status: criteria provided, single submitter. Criteria: Invitae Variant Classification Sherloc (09022015). Collection method: clinical testing. Allele origin: germline.
Comment: This sequence change replaces methionine, which is neutral and non-polar, with isoleucine, which is neutral and non-polar, at codon 585 of the GARS protein (p.Met585Ile). This variant is present in population databases (rs780441296, gnomAD 0.005%). This variant has not been reported in the literature in individuals affected with GARS-related conditions. ClinVar contains an entry for this variant (Variation ID: 1035919). Invitae Evidence Modeling of protein sequence and biophysical properties (such as structural, functional, and spatial information, amino acid conservation, physicochemical variation, residue mobility, and thermodynamic stability) indicates that this missense variant is not expected to disrupt GARS protein function with a negative predictive value of 80%. In summary, the available evidence is currently insufficient to determine the role of this variant in disease. Therefore, it has been classified as a Variant of Uncertain Significance.

NM_002047.4(GARS1):c.1755G>A (p.Met585Ile)

Gene: GARS1 (glycyl-tRNA synthetase 1; plus strand). Cytogenetic location: 7p14.3.
Variant type: single nucleotide variant.
Coding change: c.1755G>A on transcript NM_002047.4 (MANE Select); coding-DNA position 1755, G replaced by A.
Protein change: p.Met585Ile; replaces methionine 585 with isoleucine.
Molecular consequence: missense variant.
Genome position (GRCh38, 1-based): chr7:30,628,615, G>A. VCF-style: chr7-30628615-G-A. GRCh37 (hg19) VCF-style: chr7-30668231-G-A.
Other names: c.1593G>A, p.Met531Ile (NM_001316772.1); short protein forms M531I, M585I.
Identifiers: ClinVar variation 1035919 (VCV001035919.6), dbSNP rs780441296, ClinGen allele CA4206067.